The following is an entry in ClinVar:

NM_001099922.3(ALG13):c.912A>C (p.Arg304Ser)

Gene: ALG13 (ALG13 UDP-N-acetylglucosaminyltransferase subunit; plus strand). Cytogenetic location: Xq23.
Variant type: single nucleotide variant.
Coding change: c.912A>C on transcript NM_001099922.3 (MANE Select); coding-DNA position 912, A replaced by C.
Protein change: p.Arg304Ser; replaces arginine 304 with serine.
Molecular consequence: missense variant.
Genome position (GRCh38, 1-based): chrX:111,712,510, A>C. VCF-style: chrX-111712510-A-C. GRCh37 (hg19) VCF-style: chrX-110955738-A-C.
Other names: c.600A>C, p.Arg200Ser (NM_001257230.2, NM_001257234.2, NM_001257237.2 and 1 more transcripts); c.678A>C, p.Arg226Ser (NM_001257231.2); c.912A>C, p.Arg304Ser (NM_001324292.2); short protein forms R200S, R226S, R304S.
Identifiers: ClinVar variation 2661210 (VCV002661210.22), dbSNP rs1939940766, ClinGen allele CA414250402.

ClinVar aggregate classification (germline): Uncertain significance (1 of 4 stars; one submission).

Submission:

CeGaT Center for Human Genetics Tuebingen
Classification: Uncertain significance. Last evaluated: 2022-07-01. Review status: criteria provided, single submitter. Criteria: CeGaT Center For Human Genetics Tuebingen Variant Classification Criteria Version 2. Collection method: clinical testing. Allele origin: germline. Affected: yes. Observed: 1 variant allele.
Comment: ALG13: PM2, BP4